The following is an entry in ClinVar:

NM_006618.5(KDM5B):c.1461G>T (p.Leu487Phe)

Gene: KDM5B (lysine demethylase 5B; minus strand). Cytogenetic location: 1q32.1.
Variant type: single nucleotide variant.
Coding change: c.1461G>T on transcript NM_006618.5 (MANE Select); coding-DNA position 1461, G replaced by T.
Protein change: p.Leu487Phe; replaces leucine 487 with phenylalanine.
Molecular consequence: missense variant.
Genome position (GRCh38, 1-based): chr1:202,755,348, C>A on the plus strand (G>T on the coding strand, the complement: KDM5B is on the minus strand). VCF-style: chr1-202755348-C-A. GRCh37 (hg19) VCF-style: chr1-202724476-C-A.
Other names: c.1569G>T, p.Leu523Phe (NM_001314042.2); c.1326G>T, p.Leu442Phe (NM_001347591.2); c.1446G>T, p.Leu482Phe (NM_001399817.1); short protein forms L442F, L487F, L523F, L482F.
Identifiers: ClinVar variation 1303498 (VCV001303498.3), dbSNP rs1655964786, ClinGen allele CA344270590.

ClinVar aggregate classification (germline): Uncertain significance (1 of 4 stars; one submission).

Allele frequency attached by ClinVar (database versions not stated): gnomAD exomes below 0.00001.
gnomAD v4.1: 1 of 1,614,102 alleles (0.000062%); no homozygotes.

Submission:

GeneDx
Classification: Uncertain significance. Last evaluated: 2021-02-25. Review status: criteria provided, single submitter. Criteria: GeneDx Variant Classification Process June 2021. Collection method: clinical testing. Allele origin: germline. Affected: yes.
Comment: Not observed in large population cohorts (Lek et al., 2016); In silico analysis supports that this missense variant has a deleterious effect on protein structure/function